The following is an entry in ClinVar:

ClinVar aggregate classification (germline): Conflicting classifications of pathogenicity. Review status: criteria provided, conflicting classifications (1 of 4 stars). 3 submissions from 3 submitters: Uncertain significance (2); Likely benign (1). Last evaluated 2024-08-01.

Conditions:
Primary familial polycythemia due to EPO receptor mutation. Also called: POLYCYTHEMIA, PRIMARY FAMILIAL AND CONGENITAL; ERYTHROCYTOSIS, SOMATIC; Primary Familial Congenital Polycythemia; Erythrocytosis, familial, 1. Identifiers: Orphanet 90042, MedGen C4551637, MONDO:0007572, OMIM 133100.
Inborn genetic diseases. Identifiers: MedGen C0950123, MeSH D030342.

Allele frequency attached by ClinVar (database versions not stated): TOPMed below 0.00001; gnomAD 0.00001; gnomAD exomes 0.00003; ExAC 0.00007.

Submissions (3):

CeGaT Center for Human Genetics Tuebingen
Classification: Likely benign. Last evaluated: 2024-08-01. Review status: criteria provided, single submitter. Criteria: CeGaT Center For Human Genetics Tuebingen Variant Classification Criteria Version 2. Collection method: clinical testing. Allele origin: germline. Affected: yes. Observed: 1 variant allele.
Comment: EPOR: BP4

Ambry Genetics
Classification: Uncertain significance for Inborn genetic diseases. Last evaluated: 2022-03-16. Review status: criteria provided, single submitter. Criteria: Ambry Variant Classification Scheme 2023. Collection method: clinical testing. Allele origin: germline.

Illumina Laboratory Services, Illumina
Classification: Uncertain significance for Primary familial polycythemia due to EPO receptor mutation. Last evaluated: 2018-03-30. Review status: criteria provided, single submitter. Criteria: ICSL Variant Classification Criteria 13 December 2019. Collection method: clinical testing. Allele origin: germline.

NM_000121.4(EPOR):c.610G>C (p.Glu204Gln)

Gene: EPOR (erythropoietin receptor; minus strand). Cytogenetic location: 19p13.2.
Variant type: single nucleotide variant.
Coding change: c.610G>C on transcript NM_000121.4 (MANE Select); coding-DNA position 610, G replaced by C.
Protein change: p.Glu204Gln; replaces glutamic acid 204 with glutamine.
Molecular consequence: missense variant. On other transcripts: non-coding transcript variant (1).
Genome position (GRCh38, 1-based): chr19:11,381,185, C>G on the plus strand (G>C on the coding strand, the complement: EPOR is on the minus strand). VCF-style: chr19-11381185-C-G. GRCh37 (hg19) VCF-style: chr19-11491861-C-G.
Other names: short protein forms E204Q.
Identifiers: ClinVar variation 890739 (VCV000890739.22), dbSNP rs776887278, ClinGen allele CA9210689.